The following is an entry in ClinVar:

ClinVar aggregate classification (germline): Conflicting classifications of pathogenicity. Review status: criteria provided, conflicting classifications (1 of 4 stars). 6 submissions from 5 submitters: Uncertain significance (2); Likely benign (3). 1 of the submissions does not count toward it. Last evaluated 2026-01-28.

Conditions:
F2-related disorder. Also called: F2-related disorders; F2-related condition.
Congenital prothrombin deficiency. Also called: HYPOPROTHROMBINEMIA; Factor II deficiency; Hereditary factor II deficiency disease; Inherited hypoprothrombinemia; Congenital factor II deficiency; Inherited prothrombin deficiency. Identifiers: Orphanet 325, MedGen C0272317, MONDO:0013361, OMIM 613679.
Thrombophilia due to thrombin defect (THPH1). Also called: Thrombosis susceptibility; THROMBOPHILIA DUE TO FACTOR 2 DEFECT; Prothrombin-Related Thrombophilia (Factor II); Prothrombin Thrombophilia. Identifiers: MedGen C3160733, MONDO:0008559, OMIM 188050. Disease mechanism: gain of function, loss of function.
Inborn genetic diseases. Identifiers: MedGen C0950123, MeSH D030342.

Allele frequency attached by ClinVar (database versions not stated): 1000 Genomes Project 30x 0.00016; 1000 Genomes Project 0.00020; gnomAD 0.00055; TOPMed 0.00059; gnomAD exomes 0.00066 and 0.00087; ExAC 0.00072; ESP Exome Variant Server 0.00085.
gnomAD v4.1: 1,377 of 1,613,790 alleles (0.085%); highest among the groups gnomAD compares: Non-Finnish European, 0.1%; 3 homozygotes.

Submissions (6):

Labcorp Genetics (formerly Invitae), Labcorp
Classification: Likely benign for Congenital prothrombin deficiency. Last evaluated: 2026-01-28. Review status: criteria provided, single submitter. Criteria: Invitae Variant Classification Sherloc (09022015). Collection method: clinical testing. Allele origin: germline.

Blueprint Genetics
Classification: Likely benign. Last evaluated: 2024-11-25. Review status: criteria provided, single submitter. Criteria: ACMG Guidelines, 2015. Collection method: clinical testing. Allele origin: germline.

Ambry Genetics
Classification: Likely benign for Inborn genetic diseases. Last evaluated: 2023-01-05. Review status: criteria provided, single submitter. Criteria: Ambry Variant Classification Scheme 2023. Collection method: clinical testing. Allele origin: germline.

Illumina Laboratory Services, Illumina
Classification: Uncertain significance for Congenital prothrombin deficiency. Last evaluated: 2018-01-13. Review status: criteria provided, single submitter. Criteria: ICSL Variant Classification Criteria 13 December 2019. Collection method: clinical testing. Allele origin: germline.

Illumina Laboratory Services, Illumina
Classification: Uncertain significance for Thrombophilia due to thrombin defect. Last evaluated: 2018-01-13. Review status: criteria provided, single submitter. Criteria: ICSL Variant Classification Criteria 13 December 2019. Collection method: clinical testing. Allele origin: germline.

PreventionGenetics, part of Exact Sciences
Classification: Likely benign for F2-related condition. Last evaluated: 2024-06-26. Review status: no assertion criteria provided. Collection method: clinical testing. Allele origin: germline. Not counted in ClinVar's aggregate classification.
Comment: This variant is classified as likely benign based on ACMG/AMP sequence variant interpretation guidelines (Richards et al. 2015 PMID: 25741868, with internal and published modifications).

NM_000506.5(F2):c.1464G>A (p.Thr488=)

Gene: F2 (coagulation factor II, thrombin; plus strand). Cytogenetic location: 11p11.2.
Variant type: single nucleotide variant.
Coding change: c.1464G>A on transcript NM_000506.5 (MANE Select); coding-DNA position 1464, G replaced by A.
Protein change: p.Thr488=; no amino-acid change (threonine 488 retained).
Molecular consequence: synonymous variant.
Genome position (GRCh38, 1-based): chr11:46,728,829, G>A. VCF-style: chr11-46728829-G-A. GRCh37 (hg19) VCF-style: chr11-46750379-G-A.
Other names: c.1464G>A (NM_000506.4).
Identifiers: ClinVar variation 304816 (VCV000304816.17), dbSNP rs146742525, ClinGen allele CA5967282.
Genomic context (GRCh38, chr11:46,728,829, plus strand): 5'-GAAGAAGCCTGTTGCCTTCAGTGACTACATTCACCCTGTGTGTCTGCCCGACAGGGAGAC[G>A]GCAGCCAGGTGGGCCACCAGATGCTTGTTAGCTGAGGGGCAGAAGCCAAGTTCTGGGCCT-3'
Protein context (NP_000497.1, residues 478-498): IHPVCLPDRE[Thr488=]AASLLQAGYK